The following is an entry in ClinVar:

NM_015602.4(TOR1AIP1):c.1211G>A (p.Arg404Gln)

Gene: TOR1AIP1 (torsin 1A interacting protein 1; plus strand). Cytogenetic location: 1q25.2.
Variant type: single nucleotide variant.
Coding change: c.1211G>A on transcript NM_015602.4 (MANE Select); coding-DNA position 1211, G replaced by A.
Protein change: p.Arg404Gln; replaces arginine 404 with glutamine.
Molecular consequence: missense variant.
Genome position (GRCh38, 1-based): chr1:179,917,698, G>A. VCF-style: chr1-179917698-G-A. GRCh37 (hg19) VCF-style: chr1-179886833-G-A.
Other names: c.1214G>A (NM_001267578.1); c.1214G>A, p.Arg405Gln (NM_001267578.2); short protein forms R404Q, R405Q.
Identifiers: ClinVar variation 2146305 (VCV002146305.5), dbSNP rs200052778, ClinGen allele CA1269108.

ClinVar aggregate classification (germline): Uncertain significance. Review status: criteria provided, multiple submitters, no conflicts (2 of 4 stars). 3 submissions from 3 submitters: Uncertain significance (3). Last evaluated 2023-04-11.

Conditions:
Autosomal recessive limb-girdle muscular dystrophy type 2Y (MRRSDC). Also called: Muscular dystrophy, autosomal recessive, with rigid spine and distal joint contractures; Muscular dystrophy, limb-girdle, type 2y. Identifiers: Orphanet 424261, MedGen C4511482, MONDO:0014900, OMIM 617072.

Allele frequency attached by ClinVar (database versions not stated): ExAC 0.00001; 1000 Genomes Project 0.00020; 1000 Genomes Project 30x 0.00016.

Submissions (3):

Genome-Nilou Lab
Classification: Uncertain significance for Autosomal recessive limb-girdle muscular dystrophy type 2Y. Last evaluated: 2023-04-11. Review status: criteria provided, single submitter. Criteria: ACMG Guidelines, 2015. Collection method: clinical testing. Allele origin: germline. Affected: no.

Labcorp Genetics (formerly Invitae), Labcorp
Classification: Uncertain significance for Autosomal recessive limb-girdle muscular dystrophy type 2Y. Last evaluated: 2022-01-11. Review status: criteria provided, single submitter. Criteria: Invitae Variant Classification Sherloc (09022015). Collection method: clinical testing. Allele origin: germline.
Comment: This sequence change replaces arginine, which is basic and polar, with glutamine, which is neutral and polar, at codon 405 of the TOR1AIP1 protein (p.Arg405Gln). This variant is present in population databases (rs200052778, gnomAD 0.01%). This variant has not been reported in the literature in individuals affected with TOR1AIP1-related conditions. Algorithms developed to predict the effect of missense changes on protein structure and function output the following: SIFT: "Tolerated"; PolyPhen-2: "Benign"; Align-GVGD: "Class C0". The glutamine amino acid residue is found in multiple mammalian species, which suggests that this missense change does not adversely affect protein function. Algorithms developed to predict the effect of sequence changes on RNA splicing suggest that this variant may create or strengthen a splice site. In summary, the available evidence is currently insufficient to determine the role of this variant in disease. Therefore, it has been classified as a Variant of Uncertain Significance.

Revvity Omics, Revvity
Classification: Uncertain significance. Last evaluated: 2019-12-12. Review status: criteria provided, single submitter. Criteria: ACMG Guidelines, 2015. Collection method: clinical testing. Allele origin: germline.